The following is an entry in ClinVar:

NM_173560.4(RFX6):c.1652T>G (p.Leu551Ter)

Gene: RFX6 (regulatory factor X6; plus strand). Cytogenetic location: 6q22.1.
Variant type: single nucleotide variant.
Coding change: c.1652T>G on transcript NM_173560.4 (MANE Select); coding-DNA position 1652, T replaced by G.
Protein change: p.Leu551Ter; replaces leucine 551 with a stop codon.
Molecular consequence: nonsense.
Genome position (GRCh38, 1-based): chr6:116,924,765, T>G. VCF-style: chr6-116924765-T-G. GRCh37 (hg19) VCF-style: chr6-117245928-T-G.
Other names: short protein forms L551*.
Identifiers: ClinVar variation 3648833 (VCV003648833.2).

ClinVar aggregate classification (germline): Pathogenic (1 of 4 stars; one submission).

Submission:

Labcorp Genetics (formerly Invitae), Labcorp
Classification: Pathogenic. Last evaluated: 2024-04-04. Review status: criteria provided, single submitter. Criteria: Invitae Variant Classification Sherloc (09022015). Collection method: clinical testing. Allele origin: germline.
Comment: This sequence change creates a premature translational stop signal (p.Leu551*) in the RFX6 gene. It is expected to result in an absent or disrupted protein product. Loss-of-function variants in RFX6 are known to be pathogenic (PMID: 20148032). This variant is not present in population databases (gnomAD no frequency). This variant has not been reported in the literature in individuals affected with RFX6-related conditions. For these reasons, this variant has been classified as Pathogenic.

Literature cited by the submitters: PubMed 20148032.